The following is an entry in ClinVar:

ClinVar aggregate classification (germline): Pathogenic/Likely pathogenic. Review status: criteria provided, multiple submitters, no conflicts (2 of 4 stars). 4 submissions from 4 submitters: Pathogenic (2); Likely pathogenic (2). Last evaluated 2026-01-21.

Conditions:
Hermansky-Pudlak syndrome (HPS). Also called: ALBINISM WITH HEMORRHAGIC DIATHESIS AND PIGMENTED RETICULOENDOTHELIAL CELLS. Identifiers: Orphanet 79430, MedGen C0079504, MONDO:0019312.
Hermansky-Pudlak syndrome 4 (HPS4). Identifiers: Orphanet 231500, Orphanet 79430, MedGen C3484357, MONDO:0013556, OMIM 614073.

Allele frequency attached by ClinVar (database versions not stated): TOPMed 0.00003; ESP Exome Variant Server 0.00015.
gnomAD v4.1: 11 of 1,614,084 alleles (0.00068%); highest among the groups gnomAD compares: Non-Finnish European, 0.00085%; no homozygotes.

Submissions (4):

Labcorp Genetics (formerly Invitae), Labcorp
Classification: Pathogenic. Last evaluated: 2026-01-21. Review status: criteria provided, single submitter. Criteria: Invitae Variant Classification Sherloc (09022015). Collection method: clinical testing. Allele origin: germline.
Comment: This sequence change creates a premature translational stop signal (p.Gln378*) in the HPS4 gene. It is expected to result in an absent or disrupted protein product. Loss-of-function variants in HPS4 are known to be pathogenic (PMID: 12664304). This variant is present in population databases (rs369053765, gnomAD 0.004%). This premature translational stop signal has been observed in individual(s) with Hermansky-Pudlak syndrome (PMID: 31898847). ClinVar contains an entry for this variant (Variation ID: 228266). Algorithms developed to predict the effect of sequence changes on RNA splicing suggest that this variant may create or strengthen a splice site. For these reasons, this variant has been classified as Pathogenic.

Women's Health and Genetics/Laboratory Corporation of America, LabCorp
Classification: Pathogenic for Hermansky-Pudlak syndrome. Last evaluated: 2023-12-14. Review status: criteria provided, single submitter. Criteria: LabCorp Variant Classification Summary - May 2015. Collection method: clinical testing. Allele origin: germline.
Comment: Variant summary: HPS4 c.1132C>T (p.Gln378X) results in a premature termination codon, predicted to cause a truncation of the encoded protein or absence of the protein due to nonsense mediated decay, which are commonly known mechanisms for disease. The variant allele was found at a frequency of 1.6e-05 in 251482 control chromosomes. c.1132C>T has been reported in the literature in individuals affected with Hermansky-Pudlak Syndrome (Huizing_2020). These data indicate that the variant may be associated with disease. To our knowledge, no experimental evidence demonstrating an impact on protein function has been reported. The following publication have been ascertained in the context of this evaluation (PMID: 31898847). Three submitters have cited clinical-significance assessments for this variant to ClinVar after 2014. All submitters classified the variant as pathogenic/likely pathogenic. Based on the evidence outlined above, the variant was classified as pathogenic.

Broad Center for Mendelian Genomics, Broad Institute of MIT and Harvard
Classification: Likely pathogenic for Hermansky-Pudlak syndrome 4. Last evaluated: 2023-01-24. Review status: criteria provided, single submitter. Criteria: ACMG Guidelines, 2015. Collection method: curation. Allele origin: germline. Inheritance: Autosomal recessive inheritance.
Comment: The p.Gln378Ter variant in HPS4 has been reported in 1 individual, in the homozygous state, with Hermansky-Pudlak syndrome 4 (PMID: 31898847) and has been identified in 0.004% (4/113758) of European (non-Finnish) chromosomes by the Genome Aggregation Database (gnomAD; dbSNP ID: rs369053765). Although this variant has been seen in the general population in a heterozygous state, its frequency is low enough to be consistent with a recessive carrier frequency. This variant has also been reported in ClinVar (Variation ID#: 228266) and has been interpreted as pathogenic or likely pathogenic by Invitae and Laboratory for Molecular Medicine (Mass General Brigham Personalized Medicine). This nonsense variant leads to a premature termination codon at position 378, which is predicted to lead to a truncated or absent protein. Loss of function of the HPS4 gene is strongly associated to autosomal recessive Hermansky-Pudlak syndrome 4. In summary, although additional studies are required to fully establish its clinical significance, this variant is likely pathogenic for autosomal recessive Hermansky-Pudlak syndrome 4. ACMG/AMP Criteria applied: PVS1_strong, PM3_supporting, PM2_supporting (Richards 2015).

Laboratory for Molecular Medicine, Mass General Brigham Personalized Medicine
Classification: Likely pathogenic for Hermansky-Pudlak syndrome. Last evaluated: 2015-03-11. Review status: criteria provided, single submitter. Criteria: LMM Criteria. Collection method: clinical testing. Allele origin: germline. Inheritance: Autosomal recessive inheritance. Observed: 1 variant allele.
Comment: The p.Gln378X variant in HPS4 has not been previously reported in individuals wi th Hermansky-Pudlak syndrome (HPS), but has been identified in 3/66728 European chromosomes by the Exome Aggregation Consortium (dbSNP rs369053765). This nonsense variant leads to a premature termination cod on at position 378, which is predicted to lead to a truncated or absent protein. Complete loss of HPS4 function has been reported in several individuals with HP S. In summary, although additional studies are required to fully establish its c linical significance, the p.Gln378X variant is likely pathogenic.

Literature cited by the submitters: PubMed 12664304 (cited by Labcorp Genetics (formerly Invitae), Labcorp); PubMed 31898847 (cited by Labcorp Genetics (formerly Invitae), Labcorp and Women's Health and Genetics/Laboratory Corporation of America, LabCorp).

NM_022081.6(HPS4):c.1132C>T (p.Gln378Ter)

Gene: HPS4 (HPS4 biogenesis of lysosomal organelles complex 3 subunit 2; minus strand). Cytogenetic location: 22q12.1.
Variant type: single nucleotide variant.
Coding change: c.1132C>T on transcript NM_022081.6 (MANE Select); coding-DNA position 1132, C replaced by T.
Protein change: p.Gln378Ter; replaces glutamine 378 with a stop codon.
Molecular consequence: nonsense. On other transcripts: non-coding transcript variant (8).
Genome position (GRCh38, 1-based): chr22:26,464,498, G>A on the plus strand (C>T on the coding strand, the complement: HPS4 is on the minus strand). VCF-style: chr22-26464498-G-A. GRCh37 (hg19) VCF-style: chr22-26860464-G-A.
Other names: NM_022081.6(HPS4):c.1132C>T; p.Gln378Ter; c.1132C>T, p.Gln378Ter (NM_001349896.1, NM_001349898.2, NM_001349899.2 and 4 more transcripts); c.1186C>T, p.Gln396Ter (NM_001349900.2, NM_001349901.1); c.1117C>T, p.Gln373Ter (NM_152841.2); short protein forms Q373*, Q378*, Q396*.
Identifiers: ClinVar variation 228266 (VCV000228266.14), dbSNP rs369053765, ClinGen allele CA10163396.